The following is an entry in ClinVar:

ClinVar aggregate classification (germline): Uncertain significance (1 of 4 stars; one submission).

Conditions:
Intellectual disability, CASK-related, X-linked. Identifiers: MedGen CN043158.

Submission:

Labcorp Genetics (formerly Invitae), Labcorp
Classification: Uncertain significance for Intellectual disability, CASK-related, X-linked. Last evaluated: 2022-07-19. Review status: criteria provided, single submitter. Criteria: Invitae Variant Classification Sherloc (09022015). Collection method: clinical testing. Allele origin: germline.
Comment: In summary, the available evidence is currently insufficient to determine the role of this variant in disease. Therefore, it has been classified as a Variant of Uncertain Significance. Algorithms developed to predict the effect of missense changes on protein structure and function are either unavailable or do not agree on the potential impact of this missense change (SIFT: "Deleterious"; PolyPhen-2: "Benign"; Align-GVGD: "Class C25"). This variant has not been reported in the literature in individuals affected with CASK-related conditions. This variant is not present in population databases (gnomAD no frequency). This sequence change replaces histidine, which is basic and polar, with arginine, which is basic and polar, at codon 379 of the CASK protein (p.His379Arg).

NM_001367721.1(CASK):c.1136A>G (p.His379Arg)

Gene: CASK (calcium/calmodulin dependent serine protein kinase; minus strand). Cytogenetic location: Xp11.4.
Variant type: single nucleotide variant.
Coding change: c.1136A>G on transcript NM_001367721.1 (MANE Select); coding-DNA position 1136, A replaced by G.
Protein change: p.His379Arg; replaces histidine 379 with arginine.
Molecular consequence: missense variant.
Genome position (GRCh38, 1-based): chrX:41,609,923, T>C on the plus strand (A>G on the coding strand, the complement: CASK is on the minus strand). VCF-style: chrX-41609923-T-C. GRCh37 (hg19) VCF-style: chrX-41469176-T-C.
Other names: c.1136A>G, p.His379Arg (NM_001126054.3, NM_003688.4); c.1118A>G, p.His373Arg (NM_001126055.3, NM_001410745.1); short protein forms H379R, H373R.
Identifiers: ClinVar variation 2168847 (VCV002168847.4), dbSNP rs777696088, ClinGen allele CA412999567.